The following is an entry in ClinVar:

ClinVar aggregate classification (germline): Uncertain significance (1 of 4 stars; one submission).

Conditions:
Hereditary cancer-predisposing syndrome. Also called: Neoplastic Syndromes, Hereditary; Tumor predisposition; Hereditary Cancer Syndrome; Hereditary neoplastic syndrome. Identifiers: Orphanet 140162, MedGen C0027672, MeSH D009386, MONDO:0015356.

Submission:

Ambry Genetics
Classification: Uncertain significance for Hereditary cancer-predisposing syndrome. Last evaluated: 2022-08-08. Review status: criteria provided, single submitter. Criteria: Ambry Variant Classification Scheme 2023. Collection method: clinical testing. Allele origin: germline.
Comment: The p.T1090I variant (also known as c.3269C>T), located in coding exon 20 of the ALK gene, results from a C to T substitution at nucleotide position 3269. The threonine at codon 1090 is replaced by isoleucine, an amino acid with similar properties. This amino acid position is conserved. In addition, this alteration is predicted to be deleterious by in silico analysis. Since supporting evidence is limited at this time, the clinical significance of this alteration remains unclear.

NM_004304.5(ALK):c.3269C>T (p.Thr1090Ile)

Gene: ALK (ALK receptor tyrosine kinase; minus strand). Cytogenetic location: 2p23.2.
Variant type: single nucleotide variant.
Coding change: c.3269C>T on transcript NM_004304.5 (MANE Select); coding-DNA position 3269, C replaced by T.
Protein change: p.Thr1090Ile; replaces threonine 1090 with isoleucine.
Molecular consequence: missense variant.
Genome position (GRCh38, 1-based): chr2:29,223,432, G>A on the plus strand (C>T on the coding strand, the complement: ALK is on the minus strand). VCF-style: chr2-29223432-G-A. GRCh37 (hg19) VCF-style: chr2-29446298-G-A.
Other names: c.65C>T, p.Thr22Ile (NM_001353765.2); short protein forms T1090I, T22I.
Identifiers: ClinVar variation 1729589 (VCV001729589.2), dbSNP rs2148170925, ClinGen allele CA346465036.